The following is an entry in ClinVar:

ClinVar aggregate classification (germline): Likely pathogenic (1 of 4 stars; one submission).

Conditions:
Gaucher disease. Also called: Acute cerebral Gaucher disease; Cerebroside lipidosis syndrome; Gaucher splenomegaly; Sphingolipidosis 1; Glucocerebrosidosis; Glucosylceramidase deficiency. Identifiers: Orphanet 355, MedGen C0017205, MONDO:0018150.

Submission:

Natera, Inc.
Classification: Likely pathogenic for Gaucher disease. Last evaluated: 2025-11-26. Review status: criteria provided, single submitter. Criteria: Natera Variant Classification Schema (03/2026). Collection method: clinical testing. Allele origin: germline.
Comment: The c.719C>A variant in GBA1 is a missense variant predicted to cause substitution of proline to histidine at amino acid 240. This variant is rare in the general population with a frequency below the threshold expected for the associated phenotype(s). This variant has been observed in one or more individuals affected with the associated recessive disease, as either homozygous or compound heterozygous with a second variant (PMID: 20729108). Computational prediction algorithms indicate this variant is likely to affect gene or protein function. Given the available evidence, this variant is classified as Likely Pathogenic.

Literature cited by the submitters: PubMed 20729108.

NM_000157.4(GBA1):c.719C>A (p.Pro240His)

Genes: GBA1 (glucosylceramidase beta 1; minus strand), LOC106627981 (GBA recombination region; plus strand). Cytogenetic location: 1q22.
Variant type: single nucleotide variant.
Coding change: c.719C>A on transcript NM_000157.4 (MANE Select); coding-DNA position 719, C replaced by A.
Protein change: p.Pro240His; replaces proline 240 with histidine.
Molecular consequence: missense variant.
Genome position (GRCh38, 1-based): chr1:155,238,176, G>T on the plus strand (C>A on the coding strand, the complement: GBA1 is on the minus strand). VCF-style: chr1-155238176-G-T. GRCh37 (hg19) VCF-style: chr1-155207967-G-T.
Other names: c.719C>A, p.Pro240His (NM_001005741.3, NM_001005742.3); c.458C>A, p.Pro153His (NM_001171811.2); c.572C>A, p.Pro191His (NM_001171812.2); short protein forms P153H, P191H, P240H.
Identifiers: ClinVar variation 4817798 (VCV004817798.1).